The following is an entry in ClinVar:

ClinVar aggregate classification (germline): Uncertain significance (1 of 4 stars; one submission).

Allele frequency attached by ClinVar (database versions not stated): gnomAD 0.00001.
gnomAD v4.1: 9 of 1,548,432 alleles (0.00058%); highest among the groups gnomAD compares: Non-Finnish European, 0.00078%; no homozygotes.

Submission:

Labcorp Genetics (formerly Invitae), Labcorp
Classification: Uncertain significance. Last evaluated: 2024-11-16. Review status: criteria provided, single submitter. Criteria: Invitae Variant Classification Sherloc (09022015). Collection method: clinical testing. Allele origin: germline.
Comment: This sequence change replaces threonine, which is neutral and polar, with arginine, which is basic and polar, at codon 445 of the RIMS1 protein (p.Thr445Arg). This variant is not present in population databases (gnomAD no frequency). This variant has not been reported in the literature in individuals affected with RIMS1-related conditions. ClinVar contains an entry for this variant (Variation ID: 1914135). An algorithm developed to predict the effect of missense changes on protein structure and function (PolyPhen-2) suggests that this variant is likely to be tolerated. In summary, the available evidence is currently insufficient to determine the role of this variant in disease. Therefore, it has been classified as a Variant of Uncertain Significance.

NM_014989.7(RIMS1):c.1334C>G (p.Thr445Arg)

Gene: RIMS1 (regulating synaptic membrane exocytosis 1; plus strand). Cytogenetic location: 6q13.
Variant type: single nucleotide variant.
Coding change: c.1334C>G on transcript NM_014989.7 (MANE Select); coding-DNA position 1334, C replaced by G.
Protein change: p.Thr445Arg; replaces threonine 445 with arginine.
Molecular consequence: missense variant.
Genome position (GRCh38, 1-based): chr6:72,182,805, C>G. VCF-style: chr6-72182805-C-G. GRCh37 (hg19) VCF-style: chr6-72892508-C-G.
Other names: short protein forms T445R.
Identifiers: ClinVar variation 1914135 (VCV001914135.5), dbSNP rs955231414, ClinGen allele CA364820888.